The following is an entry in ClinVar:

NM_000044.6(AR):c.1185C>A (p.Tyr395Ter)

Gene: AR (androgen receptor; plus strand). Cytogenetic location: Xq12.
Variant type: single nucleotide variant.
Coding change: c.1185C>A on transcript NM_000044.6 (MANE Select); coding-DNA position 1185, C replaced by A.
Protein change: p.Tyr395Ter; replaces tyrosine 395 with a stop codon.
Molecular consequence: nonsense. On other transcripts: 5 prime UTR variant (1).
Genome position (GRCh38, 1-based): chrX:67,546,331, C>A. VCF-style: chrX-67546331-C-A. GRCh37 (hg19) VCF-style: chrX-66766173-C-A.
Other names: c.-599C>A (NM_001011645.3); c.1185C>A, p.Tyr395Ter (NM_001348061.1, NM_001348063.1, NM_001348064.1); short protein forms Y395*.
Identifiers: ClinVar variation 492781 (VCV000492781.3), dbSNP rs1555969807, ClinGen allele CA413426551.
Genomic context (GRCh38, chrX:67,546,331, plus strand): 5'-GCCCCCTCCGCCGCCTCCCCATCCCCACGCTCGCATCAAGCTGGAGAACCCGCTGGACTA[C>A]GGCAGCGCCTGGGCGGCTGCGGCGGCGCAGTGCCGCTATGGGGACCTGGCGAGCCTGCAT-3'

ClinVar aggregate classification (germline): Pathogenic. Review status: criteria provided, single submitter (1 of 4 stars). 2 submissions from 2 submitters: Pathogenic (1). 1 of the submissions does not count toward it. Last evaluated 2020-03-23.

Conditions:
Androgen resistance syndrome (AIS). Also called: Androgen insensitivity, complete; Androgen insensitivity syndrome; DHTR DEFICIENCY; ANDROGEN RECEPTOR DEFICIENCY; DIHYDROTESTOSTERONE RECEPTOR DEFICIENCY; TESTICULAR FEMINIZATION SYNDROME. Identifiers: Orphanet 754, Orphanet 99429, MedGen C0039585, MONDO:0019154, OMIM 300068. Disease mechanism: loss of function.

Submissions (2):

GeneDx
Classification: Pathogenic. Last evaluated: 2020-03-23. Review status: criteria provided, single submitter. Criteria: GeneDx Variant Classification Process June 2021. Collection method: clinical testing. Allele origin: germline. Affected: yes.
Comment: Observed in a patient with complete androgen insensitivity syndrome in published literature (Mueller et al., 2006); Nonsense variant predicted to result in protein truncation or nonsense mediated decay in a gene for which loss-of-function is a known mechanism of disease; Not observed in large population cohorts (Lek et al., 2016); This variant is associated with the following publications: (PMID: 17128487)

Clinical Molecular Genetics Laboratory, Johns Hopkins All Children's Hospital
Classification: Pathogenic for Androgen resistance syndrome. Last evaluated: 2011-09-16. Review status: no assertion criteria provided. Collection method: clinical testing. Allele origin: germline. Affected: yes. Not counted in ClinVar's aggregate classification.